The following is an entry in ClinVar:

ClinVar aggregate classification (germline): Uncertain significance (1 of 4 stars; one submission).

Conditions:
Infantile-onset ascending hereditary spastic paralysis (IAHSP). Also called: Infantile-Onset Ascending Hereditary Spastic Paralysis (IAHSP); Autosomal Recessive Juvenile Amyotrophic Lateral Sclerosis. Identifiers: Orphanet 293168, MedGen C2931441, MONDO:0011797, OMIM 607225. Disease mechanism: loss of function.

Submission:

Labcorp Genetics (formerly Invitae), Labcorp
Classification: Uncertain significance for Infantile-onset ascending hereditary spastic paralysis. Last evaluated: 2022-06-13. Review status: criteria provided, single submitter. Criteria: Invitae Variant Classification Sherloc (09022015). Collection method: clinical testing. Allele origin: germline.
Comment: This sequence change falls in intron 22 of the ALS2 gene. It does not directly change the encoded amino acid sequence of the ALS2 protein. It affects a nucleotide within the consensus splice site. This variant is not present in population databases (gnomAD no frequency). This variant has not been reported in the literature in individuals affected with ALS2-related conditions. Variants that disrupt the consensus splice site are a relatively common cause of aberrant splicing (PMID: 17576681, 9536098). Algorithms developed to predict the effect of sequence changes on RNA splicing suggest that this variant is not likely to affect RNA splicing. In summary, the available evidence is currently insufficient to determine the role of this variant in disease. Therefore, it has been classified as a Variant of Uncertain Significance.

Literature cited by the submitters: PubMed 17576681; PubMed 9536098.

NM_020919.4(ALS2):c.3624+3G>C

Gene: ALS2 (alsin Rho guanine nucleotide exchange factor ALS2; minus strand). Cytogenetic location: 2q33.1.
Variant type: single nucleotide variant.
Coding change: c.3624+3G>C on transcript NM_020919.4 (MANE Select); 3 bases into the intron after coding-DNA position 3624, G replaced by C.
Molecular consequence: intron variant.
Genome position (GRCh38, 1-based): chr2:201,723,327, C>G on the plus strand (G>C on the coding strand, the complement: ALS2 is on the minus strand). VCF-style: chr2-201723327-C-G. GRCh37 (hg19) VCF-style: chr2-202588050-C-G.
Identifiers: ClinVar variation 1438895 (VCV001438895.6), dbSNP rs2105998722, ClinGen allele CA2573134344.